The following is an entry in ClinVar:

NM_001267550.2(TTN):c.34047G>A (p.Glu11349=)

Gene: TTN (titin; minus strand). Cytogenetic location: 2q31.2.
Variant type: single nucleotide variant.
Coding change: c.34047G>A on transcript NM_001267550.2 (MANE Select); coding-DNA position 34047, G replaced by A.
Protein change: p.Glu11349=; no amino-acid change (glutamic acid 11349 retained).
Molecular consequence: synonymous variant. On other transcripts: intron variant (3).
Genome position (GRCh38, 1-based): chr2:178,677,865, C>T on the plus strand (G>A on the coding strand, the complement: TTN is on the minus strand). VCF-style: chr2-178677865-C-T. GRCh37 (hg19) VCF-style: chr2-179542592-C-T.
Other names: c.33096G>A, p.Glu11032= (NM_001256850.1); c.30315G>A, p.Glu10105= (NM_133378.4); c.13283-35548G>A (NM_003319.4); c.13859-35548G>A (NM_133437.4); c.13658-35548G>A (NM_133432.3).
Identifiers: ClinVar variation 1536294 (VCV001536294.12), dbSNP rs749215309, ClinGen allele CA1998150.

ClinVar aggregate classification (germline): Likely benign. Review status: criteria provided, multiple submitters, no conflicts (2 of 4 stars). 2 submissions from 2 submitters: Likely benign (2). Last evaluated 2026-03-01.

Conditions:
Dilated cardiomyopathy 1G (CMD1G). Identifiers: Orphanet 154, MedGen C1858763, MONDO:0011400, OMIM 604145.
Autosomal recessive limb-girdle muscular dystrophy type 2J (LGMDR10). Also called: MUSCULAR DYSTROPHY, LIMB-GIRDLE, AUTOSOMAL RECESSIVE 10; Limb-girdle muscular dystrophy, type 2J. Identifiers: Orphanet 140922, MedGen C1837342, MONDO:0012127, OMIM 608807.

Allele frequency attached by ClinVar (database versions not stated): gnomAD 0.00001; gnomAD exomes 0.00001 and 0.00002; ExAC 0.00002.
gnomAD v4.1: 10 of 1,612,076 alleles (0.00062%); highest among the groups gnomAD compares: Admixed American, 0.0084%; no homozygotes.

Submissions (2):

CeGaT Center for Human Genetics Tuebingen
Classification: Likely benign. Last evaluated: 2026-03-01. Review status: criteria provided, single submitter. Criteria: CeGaT Center For Human Genetics Tuebingen Variant Classification Criteria Version 2. Collection method: clinical testing. Allele origin: germline. Affected: yes. Observed: 1 variant allele.
Comment: TTN: BP4, BP7

Labcorp Genetics (formerly Invitae), Labcorp
Classification: Likely benign for Dilated cardiomyopathy 1G; Autosomal recessive limb-girdle muscular dystrophy type 2J. Last evaluated: 2025-11-21. Review status: criteria provided, single submitter. Criteria: Invitae Variant Classification Sherloc (09022015). Collection method: clinical testing. Allele origin: germline.